The following is an entry in ClinVar:

NM_000543.5(SMPD1):c.807del (p.Gly270fs)

Gene: SMPD1 (sphingomyelin phosphodiesterase 1; plus strand). Cytogenetic location: 11p15.4.
Variant type: Deletion.
Coding change: c.807del on transcript NM_000543.5 (MANE Select); coding-DNA position 807, one base deleted (C; older notation c.807delC).
Protein change: p.Gly270fs; shifts the reading frame from glycine 270.
Molecular consequence: frameshift variant. On other transcripts: 5 prime UTR variant (1), non-coding transcript variant (1).
Genome position (GRCh38, 1-based): chr11:6,391,872, C deleted; the last of 2 consecutive C bases (chr11:6,391,871-6,391,872); deleting either gives the same sequence. VCF-style (leftmost placement, unchanged base first): chr11-6391870-GC-G. GRCh37 (hg19) VCF-style: chr11-6413100-GC-G.
Other names: c.804del, p.Gly269fs (NM_001007593.3); c.807del, p.Gly270fs (NM_001318087.2, NM_001365135.2); c.-155del (NM_001318088.2); short protein forms G269fs, G270fs.
Identifiers: ClinVar variation 2940777 (VCV002940777.4), dbSNP rs2493806753, ClinGen allele CA2740093603.
Genomic context (GRCh38, chr11:6,391,870, plus strand): 5'-TACAGCAAGTGTGACCTGCCCCTGAGGACCCTGGAGAGCCTGTTGAGTGGGCTGGGCCCA[GC>G]CGGCCCTTTTGATATGGTGTACTGGACAGGAGACATCCCCGCACATGATGTCTGGCACCA-3'

ClinVar aggregate classification (germline): Pathogenic. Review status: criteria provided, multiple submitters, no conflicts (2 of 4 stars). 2 submissions from 2 submitters: Pathogenic (2). Last evaluated 2024-05-23.

Conditions:
Niemann-Pick disease, type B. Also called: Chronic Visceral ASMD (Niemann-Pick Disease Type B; NPD-B). Identifiers: Orphanet 77293, MedGen C0268243, MONDO:0011871, OMIM 607616. Disease mechanism: loss of function.
Niemann-Pick disease, type A. Also called: Infantile Neurovisceral ASMD (Niemann-Pick Disease Type A; NPD-A); SPHINGOMYELIN LIPIDOSIS; SPHINGOMYELINASE DEFICIENCY. Identifiers: Orphanet 77292, MedGen C0268242, MONDO:0009756, OMIM 257200. Disease mechanism: loss of function.
Acid sphingomyelinase deficiency. Identifiers: Orphanet 618899, MedGen C5243927, MONDO:0100464.

Submissions (2):

Myriad Genetics, Inc.
Classification: Pathogenic for Acid sphingomyelinase deficiency. Last evaluated: 2024-05-23. Review status: criteria provided, single submitter. Criteria: Myriad Autosomal Dominant, Autosomal Recessive and X-Linked Classification Criteria (2023). Collection method: clinical testing. Allele origin: unknown.
Comment: NM_000543.4(SMPD1):c.807delC(G270Afs*29) is expected to be pathogenic in the context of Niemann-Pick disease, SMPD1-related. This variant is predicted to lead to an abnormal or absent protein product due to the creation of a premature termination codon in SMPD1, a gene where loss-of-function variants are known to be pathogenic. Please note: this variant was assessed in the context of healthy population screening.

Labcorp Genetics (formerly Invitae), Labcorp
Classification: Pathogenic for Niemann-Pick disease, type B; Niemann-Pick disease, type A. Last evaluated: 2023-06-04. Review status: criteria provided, single submitter. Criteria: Invitae Variant Classification Sherloc (09022015). Collection method: clinical testing. Allele origin: germline.
Comment: For these reasons, this variant has been classified as Pathogenic. This variant has not been reported in the literature in individuals affected with SMPD1-related conditions. This variant is not present in population databases (gnomAD no frequency). This sequence change creates a premature translational stop signal (p.Gly270Alafs*29) in the SMPD1 gene. It is expected to result in an absent or disrupted protein product. Loss-of-function variants in SMPD1 are known to be pathogenic (PMID: 12369017, 15221801).

Literature cited by the submitters: PubMed 12369017 (cited by Labcorp Genetics (formerly Invitae), Labcorp); PubMed 15221801 (cited by Labcorp Genetics (formerly Invitae), Labcorp).